The following is an entry in ClinVar:

ClinVar aggregate classification (germline): Likely benign (0 of 4 stars; one submission).

Conditions:
IKBKB-related disorder. Also called: IKBKB-related condition.

Allele frequency attached by ClinVar (database versions not stated): 1000 Genomes Project 30x 0.00328.

Submission:

PreventionGenetics, part of Exact Sciences
Classification: Likely benign for IKBKB-related condition. Last evaluated: 2024-01-16. Review status: no assertion criteria provided. Collection method: clinical testing. Allele origin: germline.
Comment: This variant is classified as likely benign based on ACMG/AMP sequence variant interpretation guidelines (Richards et al. 2015 PMID: 25741868, with internal and published modifications).

NM_001556.3(IKBKB):c.-40T>A

Genes: IKBKB (inhibitor of nuclear factor kappa B kinase subunit beta; plus strand), LOC130000299 (ATAC-STARR-seq lymphoblastoid silent region 19154; plus strand). Cytogenetic location: 8p11.21.
Variant type: single nucleotide variant.
Coding change: c.-40T>A on transcript NM_001556.3 (MANE Select); 40 bases upstream of the start codon, T replaced by A.
Molecular consequence: 5 prime UTR variant. On other transcripts: non-coding transcript variant (3).
Genome position (GRCh38, 1-based): chr8:42,271,448, T>A. VCF-style: chr8-42271448-T-A. GRCh37 (hg19) VCF-style: chr8-42128966-T-A.
Other names: c.-109T>A (NM_001190720.3); c.-122T>A (NM_001242778.2).
Identifiers: ClinVar variation 3047209 (VCV003047209.2), dbSNP rs565023239, ClinGen allele CA1113198630.
Genomic context (GRCh38, chr8:42,271,448, plus strand): 5'-TCATAGCCCCGGGTTTGGCCGCCCCAGCCCCGCCTTCCCCGCCCCGGGGAGCCCGCCCCC[T>A]GCCCCGCGTCCCTGCCGACAGGTGAGTCCCCCTCGTGGGTGCGGCCCGGGTGCCACCTGC-3'